The following is an entry in ClinVar:

ClinVar aggregate classification (germline): Uncertain significance (1 of 4 stars; one submission).

Conditions:
Charcot-Marie-Tooth disease axonal type 2O. Also called: Charcot-Marie-Tooth disease, axonal, type 20; CHARCOT-MARIE-TOOTH NEUROPATHY, AXONAL, TYPE 2O; CHARCOT-MARIE-TOOTH DISEASE, AXONAL, AUTOSOMAL DOMINANT, TYPE 2O; Charcot-Marie-Tooth Neuropathy Type 2O. Identifiers: Orphanet 284232, MedGen C3280220, MONDO:0013644, OMIM 614228.

Submission:

Labcorp Genetics (formerly Invitae), Labcorp
Classification: Uncertain significance for Charcot-Marie-Tooth disease axonal type 2O. Last evaluated: 2024-12-02. Review status: criteria provided, single submitter. Criteria: Invitae Variant Classification Sherloc (09022015). Collection method: clinical testing. Allele origin: germline.
Comment: This sequence change replaces aspartic acid, which is acidic and polar, with histidine, which is basic and polar, at codon 4338 of the DYNC1H1 protein (p.Asp4338His). This variant is not present in population databases (gnomAD no frequency). This variant has not been reported in the literature in individuals affected with DYNC1H1-related conditions. Invitae Evidence Modeling of protein sequence and biophysical properties (such as structural, functional, and spatial information, amino acid conservation, physicochemical variation, residue mobility, and thermodynamic stability) indicates that this missense variant is not expected to disrupt DYNC1H1 protein function with a negative predictive value of 95%. In summary, the available evidence is currently insufficient to determine the role of this variant in disease. Therefore, it has been classified as a Variant of Uncertain Significance.

NM_001376.5(DYNC1H1):c.13012G>C (p.Asp4338His)

Gene: DYNC1H1 (dynein cytoplasmic 1 heavy chain 1; plus strand). Cytogenetic location: 14q32.31.
Variant type: single nucleotide variant.
Coding change: c.13012G>C on transcript NM_001376.5 (MANE Select); coding-DNA position 13012, G replaced by C.
Protein change: p.Asp4338His; replaces aspartic acid 4338 with histidine.
Molecular consequence: missense variant.
Genome position (GRCh38, 1-based): chr14:102,047,822, G>C. VCF-style: chr14-102047822-G-C. GRCh37 (hg19) VCF-style: chr14-102514159-G-C.
Other names: short protein forms D4338H.
Identifiers: ClinVar variation 3636189 (VCV003636189.2).